The following is an entry in ClinVar:

ClinVar aggregate classification (germline): Uncertain significance (1 of 4 stars; one submission).

Conditions:
Cardiovascular phenotype. Identifiers: MedGen CN230736.
Hereditary cancer-predisposing syndrome. Also called: Hereditary neoplastic syndrome; Neoplastic Syndromes, Hereditary; Tumor predisposition; Hereditary Cancer Syndrome. Identifiers: Orphanet 140162, MedGen C0027672, MeSH D009386, MONDO:0015356.

gnomAD v4.1: 2 of 1,612,878 alleles (0.00012%); highest among the groups gnomAD compares: Non-Finnish European, 0.00017%; no homozygotes.

Submission:

Ambry Genetics
Classification: Uncertain significance for Cardiovascular phenotype; Hereditary cancer-predisposing syndrome. Last evaluated: 2025-08-07. Review status: criteria provided, single submitter. Criteria: Ambry Variant Classification Scheme 2023. Collection method: clinical testing. Allele origin: germline.
Comment: The p.K584E variant (also known as c.1750A>G), located in coding exon 16 of the NF1 gene, results from an A to G substitution at nucleotide position 1750. The lysine at codon 584 is replaced by glutamic acid, an amino acid with similar properties. This amino acid position is highly conserved in available vertebrate species. In addition, the in silico prediction for this alteration is inconclusive. Based on the available evidence, the clinical significance of this variant remains unclear.

NM_001042492.3(NF1):c.1750A>G (p.Lys584Glu)

Gene: NF1 (neurofibromin 1; plus strand). Cytogenetic location: 17q11.2.
Variant type: single nucleotide variant.
Coding change: c.1750A>G on transcript NM_001042492.3 (MANE Select); coding-DNA position 1750, A replaced by G.
Protein change: p.Lys584Glu; replaces lysine 584 with glutamic acid.
Molecular consequence: missense variant.
Genome position (GRCh38, 1-based): chr17:31,223,472, A>G. VCF-style: chr17-31223472-A-G. GRCh37 (hg19) VCF-style: chr17-29550490-A-G.
Other names: c.1750A>G, p.Lys584Glu (NM_000267.4); short protein forms K584E.
Identifiers: ClinVar variation 4119114 (VCV004119114.1).